The following is an entry in ClinVar:

NM_000368.5(TSC1):c.40C>T (p.Leu14=)

Gene: TSC1 (TSC complex subunit 1; minus strand). Cytogenetic location: 9q34.13.
Variant type: single nucleotide variant.
Coding change: c.40C>T on transcript NM_000368.5 (MANE Select); coding-DNA position 40, C replaced by T.
Protein change: p.Leu14=; no amino-acid change (leucine 14 retained).
Molecular consequence: synonymous variant. On other transcripts: 5 prime UTR variant (16), non-coding transcript variant (5), intron variant (2).
Genome position (GRCh38, 1-based): chr9:132,928,833, G>A on the plus strand (C>T on the coding strand, the complement: TSC1 is on the minus strand). VCF-style: chr9-132928833-G-A. GRCh37 (hg19) VCF-style: chr9-135804220-G-A.
Other names: c.-1054C>T (NM_001406630.1); c.-153-3094C>T (NM_001406620.1, NM_001406618.1); c.40C>T, p.Leu14= (NM_001162426.2, NM_001162427.2, NM_001406592.1 and 21 more transcripts); c.-220C>T (NM_001362177.2, NM_001406617.1, NM_001406619.1 and 3 more transcripts); c.-312C>T (NM_001406614.1); c.-449C>T (NM_001406615.1, NM_001406623.1); c.-416C>T (NM_001406616.1, NM_001406624.1); c.-838C>T (NM_001406626.1, NM_001406627.1, NM_001406628.1); and 1 more.
Identifiers: ClinVar variation 4071096 (VCV004071096.1).

ClinVar aggregate classification (germline): Benign (1 of 4 stars; one submission).

Conditions:
Tuberous sclerosis 1 (TSC1). Identifiers: Orphanet 805, MedGen C1854465, MONDO:0008612, OMIM 191100.

Submission:

Myriad Genetics, Inc.
Classification: Benign for Tuberous sclerosis 1. Last evaluated: 2025-04-07. Review status: criteria provided, single submitter. Criteria: Myriad Autosomal Dominant, Autosomal Recessive and X-Linked Classification Criteria (2023). Collection method: clinical testing. Allele origin: unknown.
Comment: This variant is considered benign. This variant is a silent/synonymous amino acid change and it is not expected to impact splicing.